The following is an entry in ClinVar:

ClinVar aggregate classification (germline): Pathogenic (1 of 4 stars; one submission).

Conditions:
Hereditary spastic paraplegia 7 (SPG7). Also called: Autosomal recessive spastic paraplegia type 7; SPASTIC PARAPLEGIA 7, AUTOSOMAL RECESSIVE, WITH OR WITHOUT CEREBELLAR ATAXIA; Spastic paraplegia 7; Hereditary spastic paraplegia Paraplegin type; SPG7-related neurologic disorder. Identifiers: Orphanet 99013, MedGen C1846564, MONDO:0011803, OMIM 607259.

Submission:

Genetics and Molecular Pathology, SA Pathology
Classification: Pathogenic for Hereditary spastic paraplegia 7. Last evaluated: 2021-06-18. Review status: criteria provided, single submitter. Criteria: ACMG Guidelines, 2015. Collection method: clinical testing. Allele origin: germline. Affected: yes.
Comment: The SPG7 c.1151-1G>C variant is classified as a PATHOGENIC variant (PVS1, PM2, PM3) This variant is a single nucleotide change from a guanine to a cytosine at position 1151-1 in intron 8 of the SPG7 gene. Computational splice prediction algorithms suggest that the change may affect splicing at the nearby acceptor splice site of intron 8, likely to cause a skip of exon 9 (PVS1). The variant has not been reported in dbSNP and is absent from population databases (PM2).

NM_003119.4(SPG7):c.1151-1G>C

Gene: SPG7 (SPG7 matrix AAA peptidase subunit, paraplegin; plus strand). Cytogenetic location: 16q24.3.
Variant type: single nucleotide variant.
Coding change: c.1151-1G>C on transcript NM_003119.4 (MANE Select); the canonical splice acceptor site of the intron before coding-DNA position 1151, G replaced by C.
Molecular consequence: splice acceptor variant.
Genome position (GRCh38, 1-based): chr16:89,532,462, G>C. VCF-style: chr16-89532462-G-C. GRCh37 (hg19) VCF-style: chr16-89598870-G-C.
Other names: c.1151-1G>C (NM_001363850.1, NM_199367.3).
Identifiers: ClinVar variation 2664724 (VCV002664724.1), dbSNP rs2543765087, ClinGen allele CA397420597.
Genomic context (GRCh38, chr16:89,532,462, plus strand): 5'-CAGGAAGAGGCTTTGTTTTTTATTAACTGCCCATTTCCTGATTCTCTCTGTGTCCCCTCA[G>C]GCCTCGGCGCTGCCCGTGTGCGGAGCCTCTTTAAGGAAGCCCGAGCCCGGGCCCCCTGCA-3'